The following is an entry in ClinVar:

ClinVar aggregate classification (germline): Pathogenic (1 of 4 stars; one submission).

Conditions:
Multiple endocrine neoplasia type 4. Also called: MULTIPLE ENDOCRINE NEOPLASIA, TYPE IV. Identifiers: Orphanet 276152, MedGen C1970712, MONDO:0012552, OMIM 610755.

Submission:

Labcorp Genetics (formerly Invitae), Labcorp
Classification: Pathogenic for Multiple endocrine neoplasia type 4. Last evaluated: 2024-08-08. Review status: criteria provided, single submitter. Criteria: Invitae Variant Classification Sherloc (09022015). Collection method: clinical testing. Allele origin: germline.
Comment: This sequence change creates a premature translational stop signal (p.Leu144*) in the CDKN1B gene. It is expected to result in an absent or disrupted protein product. Loss-of-function variants in CDKN1B are known to be pathogenic (PMID: 17030811, 24819502). This variant is not present in population databases (gnomAD no frequency). This variant has not been reported in the literature in individuals affected with CDKN1B-related conditions. For these reasons, this variant has been classified as Pathogenic.

Literature cited by the submitters: PubMed 17030811; PubMed 24819502.

NM_004064.5(CDKN1B):c.431T>G (p.Leu144Ter)

Gene: CDKN1B (cyclin dependent kinase inhibitor 1B; plus strand). Cytogenetic location: 12p13.1.
Variant type: single nucleotide variant.
Coding change: c.431T>G on transcript NM_004064.5 (MANE Select); coding-DNA position 431, T replaced by G.
Protein change: p.Leu144Ter; replaces leucine 144 with a stop codon.
Molecular consequence: nonsense.
Genome position (GRCh38, 1-based): chr12:12,718,270, T>G. VCF-style: chr12-12718270-T-G. GRCh37 (hg19) VCF-style: chr12-12871204-T-G.
Other names: short protein forms L144*.
Identifiers: ClinVar variation 3652931 (VCV003652931.2).